The following is an entry in ClinVar:

ClinVar aggregate classification (germline): Uncertain significance (1 of 4 stars; one submission).

Conditions:
Amyotrophic lateral sclerosis type 1 (ALS1). Also called: AMYOTROPHIC LATERAL SCLEROSIS 1, FAMILIAL. Identifiers: Orphanet 803, MedGen C1862939, MONDO:0007103, OMIM 105400.

Submission:

Labcorp Genetics (formerly Invitae), Labcorp
Classification: Uncertain significance for Amyotrophic lateral sclerosis type 1. Last evaluated: 2025-10-27. Review status: criteria provided, single submitter. Criteria: Invitae Variant Classification Sherloc (09022015). Collection method: clinical testing. Allele origin: germline.
Comment: This sequence change creates a premature translational stop signal (p.Trp33*) in the SOD1 gene. It is expected to result in an absent or disrupted protein product. However, the current clinical and genetic evidence is not sufficient to establish whether loss-of-function variants in SOD1 cause disease. This variant is not present in population databases (gnomAD no frequency). This premature translational stop signal has been observed in individual(s) with amyotrophic lateral sclerosis (PMID: 28325066). Algorithms developed to predict the effect of sequence changes on RNA splicing suggest that this variant may disrupt the consensus splice site. In summary, the available evidence is currently insufficient to determine the role of this variant in disease. Therefore, it has been classified as a Variant of Uncertain Significance.

Literature cited by the submitters: PubMed 28325066.

NM_000454.5(SOD1):c.98G>A (p.Trp33Ter)

Gene: SOD1 (superoxide dismutase 1; plus strand). Cytogenetic location: 21q22.11.
Variant type: single nucleotide variant.
Coding change: c.98G>A on transcript NM_000454.5 (MANE Select); coding-DNA position 98, G replaced by A.
Protein change: p.Trp33Ter; replaces tryptophan 33 with a stop codon.
Molecular consequence: nonsense.
Genome position (GRCh38, 1-based): chr21:31,663,815, G>A. VCF-style: chr21-31663815-G-A. GRCh37 (hg19) VCF-style: chr21-33036128-G-A.
Other names: short protein forms W33*.
Identifiers: ClinVar variation 4769272 (VCV004769272.1).
Genomic context (GRCh38, chr21:31,663,815, plus strand): 5'-CAGAAACTCTCTCCAACTTTGCACTTTTCTTAAAGGAAAGTAATGGACCAGTGAAGGTGT[G>A]GGGAAGCATTAAAGGACTGACTGAAGGCCTGCATGGATTCCATGTTCATGAGTTTGGAGA-3'